The following is an entry in ClinVar:

ClinVar aggregate classification (germline): Uncertain significance (1 of 4 stars; one submission).

Conditions:
LAMA2-related muscular dystrophy (LAMA2-RD). Also called: Laminin alpha 2-related dystrophy. Identifiers: MedGen C5679788, MONDO:0100228.

gnomAD v4.1: 8 of 1,613,598 alleles (0.0005%); highest among the groups gnomAD compares: Non-Finnish European, 0.00068%; no homozygotes.

Submission:

Labcorp Genetics (formerly Invitae), Labcorp
Classification: Uncertain significance for LAMA2-related muscular dystrophy. Last evaluated: 2022-03-18. Review status: criteria provided, single submitter. Criteria: Invitae Variant Classification Sherloc (09022015). Collection method: clinical testing. Allele origin: germline.
Comment: This sequence change replaces aspartic acid, which is acidic and polar, with glutamic acid, which is acidic and polar, at codon 2274 of the LAMA2 protein (p.Asp2274Glu). This variant is not present in population databases (gnomAD no frequency). This variant has not been reported in the literature in individuals affected with LAMA2-related conditions. Advanced modeling of protein sequence and biophysical properties (such as structural, functional, and spatial information, amino acid conservation, physicochemical variation, residue mobility, and thermodynamic stability) performed at Invitae indicates that this missense variant is not expected to disrupt LAMA2 protein function. In summary, the available evidence is currently insufficient to determine the role of this variant in disease. Therefore, it has been classified as a Variant of Uncertain Significance.

NM_000426.4(LAMA2):c.6822T>A (p.Asp2274Glu)

Gene: LAMA2 (laminin subunit alpha 2; plus strand). Cytogenetic location: 6q22.33.
Variant type: single nucleotide variant.
Coding change: c.6822T>A on transcript NM_000426.4 (MANE Select); coding-DNA position 6822, T replaced by A.
Protein change: p.Asp2274Glu; replaces aspartic acid 2274 with glutamic acid.
Molecular consequence: missense variant.
Genome position (GRCh38, 1-based): chr6:129,456,449, T>A. VCF-style: chr6-129456449-T-A. GRCh37 (hg19) VCF-style: chr6-129777594-T-A.
Other names: c.6822T>A, p.Asp2274Glu (NM_001079823.2); short protein forms D2274E.
Identifiers: ClinVar variation 1517892 (VCV001517892.5), dbSNP rs922037518, ClinGen allele CA146885816.
Genomic context (GRCh38, chr6:129,456,449, plus strand): 5'-CATTGTGCCCAGCACACACCATTCGACGTCTCCTCCAGGGTACACGATTCTAGATGTGGA[T>A]GCAAATGCAATGCTGTTTGTTGGTGGCCTGACTGGGAAATTAAAGGTAATGTGTTCATCC-3'
Protein context (NP_000417.3, residues 2264-2284): SPPGYTILDV[Asp2274Glu]ANAMLFVGGL